The following is an entry in ClinVar:

NM_006440.5(TXNRD2):c.1153G>A (p.Gly385Arg)

Gene: TXNRD2 (thioredoxin reductase 2; minus strand). Cytogenetic location: 22q11.21.
Variant type: single nucleotide variant.
Coding change: c.1153G>A on transcript NM_006440.5 (MANE Select); coding-DNA position 1153, G replaced by A.
Protein change: p.Gly385Arg; replaces glycine 385 with arginine.
Molecular consequence: missense variant. On other transcripts: non-coding transcript variant (1).
Genome position (GRCh38, 1-based): chr22:19,880,651, C>T on the plus strand (G>A on the coding strand, the complement: TXNRD2 is on the minus strand). VCF-style: chr22-19880651-C-T. GRCh37 (hg19) VCF-style: chr22-19868174-C-T.
Other names: c.1150G>A, p.Gly384Arg (NM_001352300.2); c.1063G>A, p.Gly355Arg (NM_001352301.2); c.865G>A, p.Gly289Arg (NM_001352302.2); short protein forms G384R, G289R, G385R, G355R.
Identifiers: ClinVar variation 954346 (VCV000954346.15), dbSNP rs528059873, ClinGen allele CA10103785.

ClinVar aggregate classification (germline): Uncertain significance. Review status: criteria provided, multiple submitters, no conflicts (2 of 4 stars). 3 submissions from 3 submitters: Uncertain significance (3). Last evaluated 2024-08-11.

Conditions:
Cardiovascular phenotype. Identifiers: MedGen CN230736.
Primary dilated cardiomyopathy (DCM). Also called: Dilated Cardiomyopathy. Identifiers: Orphanet 217604, MedGen C0007193, MeSH D002311, MONDO:0005021, HP:0001644. Inheritance: Various modes of inheritance.

Allele frequency attached by ClinVar (database versions not stated): gnomAD below 0.00001 and 0.00001; TOPMed 0.00001; 1000 Genomes Project 0.00020; gnomAD exomes 0.00004 and 0.00002; 1000 Genomes Project 30x 0.00016; ExAC 0.00003.
gnomAD v4.1: 31 of 1,613,390 alleles (0.0019%); highest among the groups gnomAD compares: South Asian, 0.026%; no homozygotes.

Submissions (3):

Ambry Genetics
Classification: Uncertain significance for Cardiovascular phenotype. Last evaluated: 2024-08-11. Review status: criteria provided, single submitter. Criteria: Ambry Variant Classification Scheme 2023. Collection method: clinical testing. Allele origin: germline.
Comment: The p.G385R variant (also known as c.1153G>A), located in coding exon 13 of the TXNRD2 gene, results from a G to A substitution at nucleotide position 1153. The glycine at codon 385 is replaced by arginine, an amino acid with dissimilar properties. This amino acid position is poorly conserved in available vertebrate species. In addition, this alteration is predicted to be tolerated by in silico analysis. Since supporting evidence is limited at this time, the clinical significance of this alteration remains unclear.

Labcorp Genetics (formerly Invitae), Labcorp
Classification: Uncertain significance for Primary dilated cardiomyopathy. Last evaluated: 2023-04-03. Review status: criteria provided, single submitter. Criteria: Invitae Variant Classification Sherloc (09022015). Collection method: clinical testing. Allele origin: germline.
Comment: This sequence change replaces glycine, which is neutral and non-polar, with arginine, which is basic and polar, at codon 385 of the TXNRD2 protein (p.Gly385Arg). This variant is present in population databases (rs528059873, gnomAD 0.02%). This variant has not been reported in the literature in individuals affected with TXNRD2-related conditions. ClinVar contains an entry for this variant (Variation ID: 954346). Advanced modeling of protein sequence and biophysical properties (such as structural, functional, and spatial information, amino acid conservation, physicochemical variation, residue mobility, and thermodynamic stability) performed at Invitae indicates that this missense variant is not expected to disrupt TXNRD2 protein function. In summary, the available evidence is currently insufficient to determine the role of this variant in disease. Therefore, it has been classified as a Variant of Uncertain Significance.

GeneDx
Classification: Uncertain significance. Last evaluated: 2021-08-26. Review status: criteria provided, single submitter. Criteria: GeneDx Variant Classification Process June 2021. Collection method: clinical testing. Allele origin: germline. Affected: yes.
Comment: Has not been previously published as pathogenic or benign to our knowledge; In silico analysis supports that this missense variant has a deleterious effect on protein structure/function; Reported in ClinVar as a variant of uncertain significance (ClinVar Variant ID# 954346; Landrum et al., 2016); This variant is associated with the following publications: (PMID: 26582918)